The following is an entry in ClinVar:

NM_000179.3(MSH6):c.3443del (p.Gly1148fs)

Gene: MSH6 (mutS homolog 6; plus strand). Cytogenetic location: 2p16.3.
Variant type: Deletion.
Coding change: c.3443del on transcript NM_000179.3 (MANE Select); coding-DNA position 3443, one base deleted (G; older notation c.3443delG).
Protein change: p.Gly1148fs; shifts the reading frame from glycine 1148.
Molecular consequence: frameshift variant.
Genome position (GRCh38, 1-based): chr2:47,804,914, G deleted; the last of 2 consecutive G bases (chr2:47,804,913-47,804,914); deleting either gives the same sequence. VCF-style (leftmost placement, unchanged base first): chr2-47804912-TG-T. GRCh37 (hg19) VCF-style: chr2-48032051-TG-T.
Other names: c.3443delG (NM_000179.2); c.3053del, p.Gly1018fs (NM_001281492.2); c.2537del, p.Gly846fs (NM_001281493.2, NM_001281494.2); short protein forms G1018fs, G1148fs, G846fs.
Identifiers: ClinVar variation 455262 (VCV000455262.9), dbSNP rs1553332151, ClinGen allele CA658655711.

ClinVar aggregate classification (germline): Pathogenic. Review status: criteria provided, multiple submitters, no conflicts (2 of 4 stars). 2 submissions from 2 submitters: Pathogenic (2). Last evaluated 2019-06-16.

Conditions:
Hereditary nonpolyposis colorectal neoplasms. Identifiers: MedGen C0009405, MeSH D003123.

Submissions (2):

Quest Diagnostics Nichols Institute San Juan Capistrano
Classification: Pathogenic. Last evaluated: 2019-06-16. Review status: criteria provided, single submitter. Criteria: Quest Diagnostics criteria. Collection method: clinical testing. Allele origin: germline.
Comment: The variant results in a shift of the reading frame, and is therefore predicted to result in the loss of a functional protein. Found in at least one symptomatic patient, and not found in general population data.

Labcorp Genetics (formerly Invitae), Labcorp
Classification: Pathogenic for Hereditary nonpolyposis colorectal neoplasms. Last evaluated: 2018-01-29. Review status: criteria provided, single submitter. Criteria: Invitae Variant Classification Sherloc (09022015). Collection method: clinical testing. Allele origin: germline.
Comment: For these reasons, this variant has been classified as Pathogenic. Loss-of-function variants in MSH6 are known to be pathogenic (PMID: 18269114, 24362816). This variant has not been reported in the literature in individuals with MSH6-related disease. This variant is not present in population databases (ExAC no frequency). This sequence change creates a premature translational stop signal (p.Gly1148Alafs*3) in the MSH6 gene. It is expected to result in an absent or disrupted protein product.

Literature cited by the submitters: PubMed 18269114 (cited by Labcorp Genetics (formerly Invitae), Labcorp); PubMed 24362816 (cited by Labcorp Genetics (formerly Invitae), Labcorp).